The following is an entry in ClinVar:

NM_031407.7(HUWE1):c.3094T>G (p.Ser1032Ala)

Gene: HUWE1 (HECT, UBA and WWE domain containing E3 ubiquitin protein ligase 1; minus strand). Cytogenetic location: Xp11.22.
Variant type: single nucleotide variant.
Coding change: c.3094T>G on transcript NM_031407.7 (MANE Select); coding-DNA position 3094, T replaced by G.
Protein change: p.Ser1032Ala; replaces serine 1032 with alanine.
Molecular consequence: missense variant.
Genome position (GRCh38, 1-based): chrX:53,600,187, A>C on the plus strand (T>G on the coding strand, the complement: HUWE1 is on the minus strand). VCF-style: chrX-53600187-A-C. GRCh37 (hg19) VCF-style: chrX-53627147-A-C.
Other names: c.3094T>G, p.Ser1032Ala (NM_001441048.1, NM_001441049.1, NM_001441051.1 and 6 more transcripts); c.3115T>G, p.Ser1039Ala (NM_001441050.1, NM_001441055.1); short protein forms S1032A, S1039A.
Identifiers: ClinVar variation 4801047 (VCV004801047.1).

ClinVar aggregate classification (germline): Uncertain significance (1 of 4 stars; one submission).

Submission:

Labcorp Genetics (formerly Invitae), Labcorp
Classification: Uncertain significance. Last evaluated: 2025-11-13. Review status: criteria provided, single submitter. Criteria: Invitae Variant Classification Sherloc (09022015). Collection method: clinical testing. Allele origin: germline.
Comment: This sequence change replaces serine, which is neutral and polar, with alanine, which is neutral and non-polar, at codon 1032 of the HUWE1 protein (p.Ser1032Ala). This variant is not present in population databases (gnomAD no frequency). This variant has not been reported in the literature in individuals affected with HUWE1-related conditions. Invitae Evidence Modeling of protein sequence and biophysical properties (such as structural, functional, and spatial information, amino acid conservation, physicochemical variation, residue mobility, and thermodynamic stability) indicates that this missense variant is not expected to disrupt HUWE1 protein function with a negative predictive value of 95%. In summary, the available evidence is currently insufficient to determine the role of this variant in disease. Therefore, it has been classified as a Variant of Uncertain Significance.